The following is an entry in ClinVar:

NM_004608.4(TBX6):c.104G>T (p.Gly35Val)

Gene: TBX6 (T-box transcription factor 6; minus strand). Cytogenetic location: 16p11.2.
Variant type: single nucleotide variant.
Coding change: c.104G>T on transcript NM_004608.4 (MANE Select); coding-DNA position 104, G replaced by T.
Protein change: p.Gly35Val; replaces glycine 35 with valine.
Molecular consequence: missense variant.
Genome position (GRCh38, 1-based): chr16:30,091,090, C>A on the plus strand (G>T on the coding strand, the complement: TBX6 is on the minus strand). VCF-style: chr16-30091090-C-A. GRCh37 (hg19) VCF-style: chr16-30102411-C-A.
Other names: c.104G>T (NM_004608.3); short protein forms G35V.
Identifiers: ClinVar variation 2182007 (VCV002182007.7), dbSNP rs368568181, ClinGen allele CA8002018.

ClinVar aggregate classification (germline): Uncertain significance. Review status: criteria provided, multiple submitters, no conflicts (2 of 4 stars). 2 submissions from 2 submitters: Uncertain significance (2). Last evaluated 2025-04-25.

Conditions:
Inborn genetic diseases. Identifiers: MedGen C0950123, MeSH D030342.

Allele frequency attached by ClinVar (database versions not stated): gnomAD exomes 0.00002; ExAC 0.00007; gnomAD 0.00017; TOPMed 0.00022; ESP Exome Variant Server 0.00023.

Submissions (2):

Ambry Genetics
Classification: Uncertain significance for Inborn genetic diseases. Last evaluated: 2025-04-25. Review status: criteria provided, single submitter. Criteria: Ambry Variant Classification Scheme 2023. Collection method: clinical testing. Allele origin: germline.

Labcorp Genetics (formerly Invitae), Labcorp
Classification: Uncertain significance. Last evaluated: 2024-07-19. Review status: criteria provided, single submitter. Criteria: Invitae Variant Classification Sherloc (09022015). Collection method: clinical testing. Allele origin: germline.
Comment: This sequence change replaces glycine, which is neutral and non-polar, with valine, which is neutral and non-polar, at codon 35 of the TBX6 protein (p.Gly35Val). This variant is present in population databases (rs368568181, gnomAD 0.03%). This variant has not been reported in the literature in individuals affected with TBX6-related conditions. ClinVar contains an entry for this variant (Variation ID: 2182007). An algorithm developed to predict the effect of missense changes on protein structure and function (PolyPhen-2) suggests that this variant is likely to be tolerated. In summary, the available evidence is currently insufficient to determine the role of this variant in disease. Therefore, it has been classified as a Variant of Uncertain Significance.